The following is an entry in ClinVar:

NM_002900.3(RBP3):c.258C>T (p.Arg86=)

Gene: RBP3 (retinol binding protein 3; plus strand). Cytogenetic location: 10q11.22.
Variant type: single nucleotide variant.
Coding change: c.258C>T on transcript NM_002900.3 (MANE Select); coding-DNA position 258, C replaced by T.
Protein change: p.Arg86=; no amino-acid change (arginine 86 retained).
Molecular consequence: synonymous variant.
Genome position (GRCh38, 1-based): chr10:47,348,742, C>T. VCF-style: chr10-47348742-C-T. GRCh37 (hg19) VCF-style: chr10-48390620-G-A.
Identifiers: ClinVar variation 299996 (VCV000299996.15), dbSNP rs376194840, ClinGen allele CA5487830.

ClinVar aggregate classification (germline): Conflicting classifications of pathogenicity. Review status: criteria provided, conflicting classifications (1 of 4 stars). 3 submissions from 3 submitters: Uncertain significance (1); Likely benign (1). 1 of the submissions does not count toward it. Last evaluated 2023-06-13.

Conditions:
Retinitis pigmentosa (RP). Identifiers: Orphanet 791, MedGen C0035334, MeSH D012174, MONDO:0019200, OMIM 268000. Inheritance: Autosomal dominant, autosomal recessive and X linked inheritance.
RBP3-related disorder. Also called: RBP3-related condition.

Allele frequency attached by ClinVar (database versions not stated): ExAC 0.00002; gnomAD exomes 0.00002; gnomAD 0.00003 and 0.00004; TOPMed 0.00003; ESP Exome Variant Server 0.00008.

Submissions (3):

Labcorp Genetics (formerly Invitae), Labcorp
Classification: Likely benign. Last evaluated: 2023-06-13. Review status: criteria provided, single submitter. Criteria: Invitae Variant Classification Sherloc (09022015). Collection method: clinical testing. Allele origin: germline.

Illumina Laboratory Services, Illumina
Classification: Uncertain significance for Retinitis pigmentosa. Last evaluated: 2018-01-13. Review status: criteria provided, single submitter. Criteria: ICSL Variant Classification Criteria 13 December 2019. Collection method: clinical testing. Allele origin: germline.

PreventionGenetics, part of Exact Sciences
Classification: Likely benign for RBP3-related condition. Last evaluated: 2019-03-28. Review status: no assertion criteria provided. Collection method: clinical testing. Allele origin: germline. Not counted in ClinVar's aggregate classification.
Comment: This variant is classified as likely benign based on ACMG/AMP sequence variant interpretation guidelines (Richards et al. 2015 PMID: 25741868, with internal and published modifications).